The following is an entry in ClinVar:

NM_152703.5(SAMD9L):c.3880A>T (p.Lys1294Ter)

Gene: SAMD9L (sterile alpha motif domain containing 9 like; minus strand). Cytogenetic location: 7q21.2.
Variant type: single nucleotide variant.
Coding change: c.3880A>T on transcript NM_152703.5 (MANE Select); coding-DNA position 3880, A replaced by T.
Protein change: p.Lys1294Ter; replaces lysine 1294 with a stop codon.
Molecular consequence: nonsense.
Genome position (GRCh38, 1-based): chr7:93,132,092, T>A on the plus strand (A>T on the coding strand, the complement: SAMD9L is on the minus strand). VCF-style: chr7-93132092-T-A. GRCh37 (hg19) VCF-style: chr7-92761405-T-A.
Other names: c.3880A>T, p.Lys1294Ter (NM_001303496.3, NM_001303497.3, NM_001303498.3 and 5 more transcripts); short protein forms K1294*.
Identifiers: ClinVar variation 2501011 (VCV002501011.4), dbSNP rs987107272, ClinGen allele CA161958899.

ClinVar aggregate classification (germline): Uncertain significance. Review status: criteria provided, multiple submitters, no conflicts (2 of 4 stars). 2 submissions from 2 submitters: Uncertain significance (2). Last evaluated 2024-12-12.

Allele frequency attached by ClinVar (database versions not stated): gnomAD 0.00001; gnomAD exomes 0.00001; TOPMed 0.00002.
gnomAD v4.1: 11 of 1,613,642 alleles (0.00068%); highest among the groups gnomAD compares: Non-Finnish European, 0.00068%; no homozygotes.

Submissions (2):

Labcorp Genetics (formerly Invitae), Labcorp
Classification: Uncertain significance. Last evaluated: 2024-12-12. Review status: criteria provided, single submitter. Criteria: Invitae Variant Classification Sherloc (09022015). Collection method: clinical testing. Allele origin: germline.
Comment: This sequence change creates a premature translational stop signal (p.Lys1294*) in the SAMD9L gene. While this is not anticipated to result in nonsense mediated decay, it is expected to disrupt the last 291 amino acid(s) of the SAMD9L protein. This variant is not present in population databases (gnomAD no frequency). This variant has not been reported in the literature in individuals affected with SAMD9L-related conditions. ClinVar contains an entry for this variant (Variation ID: 2501011). Experimental studies and prediction algorithms are not available or were not evaluated, and the functional significance of this variant is currently unknown. In summary, the available evidence is currently insufficient to determine the role of this variant in disease. Therefore, it has been classified as a Variant of Uncertain Significance.

Women's Health and Genetics/Laboratory Corporation of America, LabCorp
Classification: Uncertain significance. Last evaluated: 2023-03-23. Review status: criteria provided, single submitter. Criteria: LabCorp Variant Classification Summary - May 2015. Collection method: clinical testing. Allele origin: germline.
Comment: Variant summary: SAMD9L c.3880A>T (p.Lys1294X) results in a premature termination codon, predicted to cause a truncation of the encoded protein or absence of the protein. The variant was absent in 249456 control chromosomes (gnomAD). The available data on variant occurrences in the general population are insufficient to allow any conclusion about variant significance. To our knowledge, no occurrence of c.3880A>T in individuals affected with SAMD9L-Related Disorders and no experimental evidence demonstrating its impact on protein function have been reported. No clinical diagnostic laboratories have submitted clinical-significance assessments for this variant to ClinVar after 2014. Based on the evidence outlined above, the variant was classified as uncertain significance.